The following is an entry in ClinVar:

ClinVar aggregate classification (germline): Pathogenic. Review status: criteria provided, multiple submitters, no conflicts (2 of 4 stars). 29 submissions from 29 submitters: Pathogenic (27). 2 of the submissions do not count toward it. Last evaluated 2025-12-22.
ClinVar aggregate classification (oncogenicity): Likely oncogenic (1 of 4 stars; one submission).

Conditions:
NF1-related disorder. Also called: NF1-related condition. Identifiers: MedGen CN379171.
Hereditary cancer-predisposing syndrome. Also called: Neoplastic Syndromes, Hereditary; Hereditary Cancer Syndrome; Tumor predisposition; Hereditary neoplastic syndrome. Identifiers: Orphanet 140162, MedGen C0027672, MeSH D009386, MONDO:0015356.
Juvenile myelomonocytic leukemia (JMML). Also called: LEUKEMIA, JUVENILE MYELOMONOCYTIC, SOMATIC. Identifiers: Orphanet 86834, MedGen C0349639, MONDO:0011908, OMIM 607785, HP:0012209.
Neurofibromatosis, familial spinal (FSNF). Identifiers: Orphanet 636, MedGen C1834235, MONDO:0008078, OMIM 162210. Disease mechanism: loss of function.
Neurofibromatosis-Noonan syndrome (NFNS). Also called: NEUROFIBROMATOSIS WITH NOONAN PHENOTYPE. Identifiers: Orphanet 638, MedGen C2931482, MONDO:0011035, OMIM 601321. Disease mechanism: loss of function.
Café-au-lait macules with pulmonary stenosis (WTSN). Also called: PULMONIC STENOSIS WITH CAFE-AU-LAIT SPOTS. Identifiers: MedGen C0553586, MONDO:0008672, OMIM 193520.
Neurofibromatosis, type 1 (NF1). Also called: VON RECKLINGHAUSEN DISEASE; Peripheral type neurofibromatosis; NEUROFIBROMATOSIS, TYPE I, SOMATIC; Neurofibromatosis, type I. Identifiers: Orphanet 636, MedGen C0027831, MONDO:0018975, OMIM 162200. Disease mechanism: loss of function.
Abnormality of the skin. Identifiers: MedGen C5848159, HP:0000951.
Neoplasm. Also called: tumor; Neoplasms; Neoplasm (disease). Identifiers: MedGen C0027651, MeSH D009369, MONDO:0005070, HP:0002664.

gnomAD v4.1: 5 of 1,614,068 alleles (0.00031%); highest among the groups gnomAD compares: African/African-American, 0.0013%; no homozygotes.

Submissions 1 to 13 of 30:

Center for Genomic Medicine, Rigshospitalet, Copenhagen University Hospital
Classification: Likely oncogenic for Neoplasm. Last evaluated: 2025-12-29. Review status: criteria provided, single submitter. Criteria: ClinGen/CGC/VICC Guidelines for Oncogenicity, 2022. Collection method: clinical testing. Allele origin: somatic. Affected: yes.

Labcorp Genetics (formerly Invitae), Labcorp
Classification: Pathogenic for Neurofibromatosis, type 1. Last evaluated: 2025-12-22. Review status: criteria provided, single submitter. Criteria: Invitae Variant Classification Sherloc (09022015). Collection method: clinical testing. Allele origin: germline.
Comment: This sequence change creates a premature translational stop signal (p.Arg2496*) in the NF1 gene. It is expected to result in an absent or disrupted protein product. Loss-of-function variants in NF1 are known to be pathogenic (PMID: 10712197, 23913538). The frequency data for this variant in the population databases is considered unreliable, as metrics indicate poor data quality at this position in the gnomAD database. This premature translational stop signal has been observed in individual(s) with neurofibromatosis type 1 (PMID: 7981679, 10712197, 16835897, 22965773, 25324867). Invitae Evidence Modeling of clinical and family history, age, sex, and reported ancestry of multiple individuals with this NF1 variant has been performed. This variant is expected to be pathogenic with a positive predictive value of at least 99%. This is a validated machine learning model that incorporates the clinical features of 1,785,918 individuals referred to our laboratory for NF1 testing. This variant is also known as p.Arg2517*. ClinVar contains an entry for this variant (Variation ID: 230467). For these reasons, this variant has been classified as Pathogenic.

Dasa
Classification: Pathogenic. Last evaluated: 2025-12-18. Review status: criteria provided, single submitter. Criteria: DASA Assertion Criteria. Collection method: clinical testing. Allele origin: germline.
Comment: NM_001042492.3(NF1):c.7549C>T (p.Arg2517*) introduces a premature termination codon predicted to result in loss of normal protein function. Loss-of-function is an established mechanism of disease for this gene. This variant has been recurrently observed in individuals with related phenotype (PMID: 25324867; PMID: 10712197). The variant is present at low frequency in population datasets. Based on the available data, this variant is classified as pathogenic.

CeGaT Center for Human Genetics Tuebingen
Classification: Pathogenic. Last evaluated: 2025-06-01. Review status: criteria provided, single submitter. Criteria: CeGaT Center For Human Genetics Tuebingen Variant Classification Criteria Version 2. Collection method: clinical testing. Allele origin: germline. Affected: yes. Observed: 2 variant alleles.
Comment: NF1: PVS1, PM2, PS4:Moderate

OLLIN Analises Genomicas, OLLIN
Classification: Pathogenic for Neurofibromatosis, type 1. Last evaluated: 2025-02-27. Review status: criteria provided, single submitter. Criteria: ACMG Guidelines 2015 PMID 25741868. Collection method: clinical testing. Allele origin: germline. Affected: yes. Observed: 1 variant allele.
Comment: The nonsense variant (chr17:31352348C>T), located in exon 50 (of 57), absent in gnomAD v4.1 non-UKB, is reported in ClinVar (VCV000230467.111) and in the scientific literature in individuals with neurofibromatosis (PMID: 7981679, 10712197, 16835897, 22965773, 25324867). This variant introduces a premature stop codon, resulting in a truncated protein or mRNA degradation via nonsense-mediated decay (NMD). According to currently available evidence, this variant has been classified as pathogenic (PVS1, PS4, PM2_P).

3billion
Classification: Pathogenic for Neurofibromatosis, type 1. Last evaluated: 2025-01-13. Review status: criteria provided, single submitter. Criteria: ACMG Guidelines, 2015. Collection method: clinical testing. Allele origin: germline. Affected: yes.
Comment: The variant is observed at an extremely low frequency in the gnomAD v4.1.0 dataset (total allele frequency: <0.001%). Predicted Consequence/Location: Stop-gained (nonsense): predicted to result in a loss or disruption of normal protein function through nonsense-mediated decay (NMD) or protein truncation. Multiple pathogenic variants are reported downstream of the variant. The variant has been reported at least twice as pathogenic with clinical assertions and evidence for the classification (ClinVar ID: VCV000230467 /PMID: 7981679 /3billion dataset). Therefore, this variant is classified as Pathogenic according to the recommendation of ACMG/AMP guideline.

NHS Central & South Genomic Laboratory Hub
Classification: Pathogenic for Neurofibromatosis type 1. Last evaluated: 2024-11-12. Review status: criteria provided, single submitter. Criteria: ACMG Guidelines, 2015. Collection method: clinical testing. Allele origin: germline. Affected: yes.

Clinical Genomics Laboratory, Washington University in St. Louis
Classification: Pathogenic for Neurofibromatosis, type 1. Last evaluated: 2024-05-10. Review status: criteria provided, single submitter. Criteria: Leon-Quintero et al. (Clin Genet. 2025). Collection method: clinical testing. Allele origin: somatic. Affected: yes.
Comment: An NF1 c.7549C>T (p.Arg2517Ter) variant was identified at an allelic fraction consistent with somatic origin. This variant has been previously reported in at least three individuals affected with Neurofibromatosis, Noonan syndrome or Pheochromocytomas and paragangliomas (PPGL) (Yimenicioglu S et al., PMID: 22965773; Kim MJ. et al., PMID: 25324867; Gieldon L et al., PMID: 31212687). The NF1 c.7549C>T (p.Arg2517Ter) variant has been reported in the ClinVar database as a germline pathogenic variant by multiple submitters (ClinVar ID: 230467), and it has been reported in 16 cases in the cancer database (COSMIC; COSV62199126). This variant is observed on 5/1,461,838 alleles in the general population (gnomAD v.4.1.0). The NF1 c.7549C>T (p.Arg2517Ter) variant leads to a premature termination codon, which is predicted to lead to nonsense mediated decay. Based on available information and an internally developed protocol informed by the ACMG/AMP guidelines for variant interpretation and gene-specific practices from the ClinGen Criteria Specification Registry (Leon-Quintero FZ et al., PMID: 39434542), the NF1 c.7549C>T (p.Arg2517Ter) variant is classified as pathogenic.

Baylor Genetics
Classification: Pathogenic for Juvenile myelomonocytic leukemia. Last evaluated: 2024-01-24. Review status: criteria provided, single submitter. Criteria: ACMG Guidelines, 2015. Collection method: clinical testing. Allele origin: unknown.

Blueprint Genetics
Classification: Pathogenic for NF1-related disorders. Last evaluated: 2023-12-05. Review status: criteria provided, single submitter. Criteria: ACMG Guidelines, 2015. Collection method: clinical testing. Allele origin: germline. Affected: yes. Observed: 4 variant alleles.

Greenwood Genetic Center Diagnostic Laboratories, Greenwood Genetic Center
Classification: Pathogenic for NF1-related disorder. Last evaluated: 2023-10-30. Review status: criteria provided, single submitter. Criteria: ACMG Guidelines, 2015. Collection method: clinical testing. Allele origin: germline. Affected: yes.
Comment: PVS1, PS4, PM2, PM6

KCCC/NGS Laboratory, Kuwait Cancer Control Center
Classification: Pathogenic for Neurofibromatosis, type 1. Last evaluated: 2023-07-07. Review status: criteria provided, single submitter. Criteria: ACMG Guidelines, 2015. Collection method: clinical testing. Allele origin: unknown. Affected: yes.
Comment: This sequence change creates a premature translational stop signal (p.Arg2496*) in the NF1 gene. It is expected to result in an absent or disrupted protein product. This variant is not present in population databases (gnomAD). This variant has been reported in individuals with neurofibromatosis type 1 (PMID: 25324867, 7981679, 22965773, 10712197, 16835897). This variant is also known as p.Arg2517* in the literature. ClinVar contains an entry for this variant (Variation ID: 230467) with 14 submissions. Loss-of-function variants in NF1 are known to be pathogenic (PMID: 10712197, 23913538). Therefore, this variant has been classified as Pathogenic.

Mayo Clinic Laboratories, Mayo Clinic
Classification: Pathogenic. Last evaluated: 2023-01-16. Review status: criteria provided, single submitter. Criteria: ACMG Guidelines, 2015. Collection method: clinical testing. Allele origin: germline. Observed: 19 variant alleles.
Comment: PP4, PM2, PVS1

NM_001042492.3(NF1):c.7549C>T (p.Arg2517Ter)

Gene: NF1 (neurofibromin 1; plus strand). Cytogenetic location: 17q11.2.
Variant type: single nucleotide variant.
Coding change: c.7549C>T on transcript NM_001042492.3 (MANE Select); coding-DNA position 7549, C replaced by T.
Protein change: p.Arg2517Ter; replaces arginine 2517 with a stop codon.
Molecular consequence: nonsense.
Genome position (GRCh38, 1-based): chr17:31,352,348, C>T. VCF-style: chr17-31352348-C-T. GRCh37 (hg19) VCF-style: chr17-29679366-C-T.
Other names: c.7486C>T, p.Arg2496Ter (NM_000267.4); short protein forms R2496*, R2517*.
Identifiers: ClinVar variation 230467 (VCV000230467.118), dbSNP rs866445127, ClinGen allele CA10580413.